The following is an entry in ClinVar:

NM_173825.5(RABL3):c.379A>T (p.Asn127Tyr)

Gene: RABL3 (RAB, member of RAS oncogene family like 3; minus strand). Cytogenetic location: 3q13.33.
Variant type: single nucleotide variant.
Coding change: c.379A>T on transcript NM_173825.5 (MANE Select); coding-DNA position 379, A replaced by T.
Protein change: p.Asn127Tyr; replaces asparagine 127 with tyrosine.
Molecular consequence: missense variant. On other transcripts: non-coding transcript variant (1).
Genome position (GRCh38, 1-based): chr3:120,706,004, T>A on the plus strand (A>T on the coding strand, the complement: RABL3 is on the minus strand). VCF-style: chr3-120706004-T-A. GRCh37 (hg19) VCF-style: chr3-120424851-T-A.
Other names: c.379A>T, p.Asn127Tyr (NM_001363964.1, NM_001363965.1); short protein forms N127Y.
Identifiers: ClinVar variation 2632090 (VCV002632090.1), dbSNP rs1036213427, ClinGen allele CA81787084.

ClinVar aggregate classification (germline): Uncertain significance (1 of 4 stars; one submission).

Conditions:
RABL3-related disorder. Also called: RABL3-related condition.

Allele frequency attached by ClinVar (database versions not stated): gnomAD exomes below 0.00001; gnomAD 0.00001; TOPMed 0.00002.
gnomAD v4.1: 3 of 1,597,960 alleles (0.00019%); highest among the groups gnomAD compares: African/African-American, 0.0027%; no homozygotes.

Submission:

PreventionGenetics, part of Exact Sciences
Classification: Uncertain significance for RABL3-related condition. Last evaluated: 2022-09-08. Review status: criteria provided, single submitter. Criteria: ACMG Guidelines, 2015. Collection method: clinical testing. Allele origin: germline.
Comment: The RABL3 c.379A>T variant is predicted to result in the amino acid substitution p.Asn127Tyr. To our knowledge, this variant has not been reported in the literature or in a large population database, indicating this variant is rare. At this time, the clinical significance of this variant is uncertain due to the absence of conclusive functional and genetic evidence.